The following is an entry in ClinVar:

ClinVar aggregate classification (germline): Benign. Review status: criteria provided, multiple submitters, no conflicts (2 of 4 stars). 2 submissions from 2 submitters: Benign (2). Last evaluated 2018-01-13.

Conditions:
Cayman type cerebellar ataxia. Also called: Cayman ataxia. Identifiers: Orphanet 94122, MedGen C1832585, MONDO:0011025, OMIM 601238.

Allele frequency attached by ClinVar (database versions not stated): gnomAD 0.00378 and 0.00318; TOPMed 0.00434; 1000 Genomes Project 30x 0.01187; 1000 Genomes Project 0.01158.

Submissions (2):

Illumina Laboratory Services, Illumina
Classification: Benign for Cayman type cerebellar ataxia. Last evaluated: 2018-01-13. Review status: criteria provided, single submitter. Criteria: ICSL Variant Classification Criteria 13 December 2019. Collection method: clinical testing. Allele origin: germline.
Comment: This variant was observed in the ICSL laboratory as part of a predisposition screen in an ostensibly healthy population. It had not been previously curated by ICSL or reported in the Human Gene Mutation Database (HGMD: prior to June 1st, 2018), and was therefore a candidate for classification through an automated scoring system. Utilizing variant allele frequency, disease prevalence and penetrance estimates, and inheritance mode, an automated score was calculated to assess if this variant is too frequent to cause the disease. Based on the score and internal cut-off values, a variant classified as benign is not then subjected to further curation. The score for this variant resulted in a classification of benign for this disease.

Breakthrough Genomics
Classification: Benign. Review status: criteria provided, single submitter. Criteria: ACMG Guidelines, 2015. Collection method: not provided. Allele origin: germline. Inheritance: Autosomal recessive inheritance. Affected: yes.

NM_033064.4(ATCAY):c.-390A>G

Gene: ATCAY (ATCAY kinesin light chain interacting caytaxin; plus strand). Cytogenetic location: 19p13.3.
Variant type: single nucleotide variant.
Coding change: c.-390A>G on transcript NM_033064.4; 390 bases upstream of the start codon, A replaced by G.
Genome position (GRCh38, 1-based): chr19:3,880,660, A>G. VCF-style: chr19-3880660-A-G. GRCh37 (hg19) VCF-style: chr19-3880658-A-G.
Identifiers: ClinVar variation 328981 (VCV000328981.8), dbSNP rs140876148, ClinGen allele CA10651909.
Genomic context (GRCh38, chr19:3,880,660, plus strand): 5'-TGCTTTTCCGTCAGGCCGCCACCCCCCACCCCCTCCTCCCTGCACACAAAAGCAGCATAA[A>G]TTAACCGTCTTCGGGAAGCCGAGCCTCTGCCAGCCCTGAGCTGGGAAGAAGCAGCTACCT-3'